The following is an entry in ClinVar:

NM_021620.4(PRDM13):c.95A>G (p.Lys32Arg)

Gene: PRDM13 (PR/SET domain 13; plus strand). Cytogenetic location: 6q16.2.
Variant type: single nucleotide variant.
Coding change: c.95A>G on transcript NM_021620.4 (MANE Select); coding-DNA position 95, A replaced by G.
Protein change: p.Lys32Arg; replaces lysine 32 with arginine.
Molecular consequence: missense variant.
Genome position (GRCh38, 1-based): chr6:99,607,129, A>G. VCF-style: chr6-99607129-A-G. GRCh37 (hg19) VCF-style: chr6-100055005-A-G.
Other names: short protein forms K32R.
Identifiers: ClinVar variation 1993752 (VCV001993752.4), dbSNP rs776578677, ClinGen allele CA3936090.

ClinVar aggregate classification (germline): Uncertain significance (1 of 4 stars; one submission).

Allele frequency attached by ClinVar (database versions not stated): gnomAD exomes below 0.00001; ExAC 0.00001.
gnomAD v4.1: 2 of 1,613,970 alleles (0.00012%); highest among the groups gnomAD compares: Admixed American, 0.0033%; no homozygotes.

Submission:

Labcorp Genetics (formerly Invitae), Labcorp
Classification: Uncertain significance. Last evaluated: 2023-05-26. Review status: criteria provided, single submitter. Criteria: Invitae Variant Classification Sherloc (09022015). Collection method: clinical testing. Allele origin: germline.
Comment: In summary, the available evidence is currently insufficient to determine the role of this variant in disease. Therefore, it has been classified as a Variant of Uncertain Significance. An algorithm developed to predict the effect of missense changes on protein structure and function (PolyPhen-2) suggests that this variant is likely to be disruptive. ClinVar contains an entry for this variant (Variation ID: 1993752). This variant has not been reported in the literature in individuals affected with PRDM13-related conditions. This variant is present in population databases (rs776578677, gnomAD 0.006%). This sequence change replaces lysine, which is basic and polar, with arginine, which is basic and polar, at codon 32 of the PRDM13 protein (p.Lys32Arg).